The following is an entry in ClinVar:

NM_006231.4(POLE):c.288G>A (p.Val96=)

Gene: POLE (DNA polymerase epsilon, catalytic subunit; minus strand). Cytogenetic location: 12q24.33.
Variant type: single nucleotide variant.
Coding change: c.288G>A on transcript NM_006231.4 (MANE Select); coding-DNA position 288, G replaced by A.
Protein change: p.Val96=; no amino-acid change (valine 96 retained).
Molecular consequence: synonymous variant.
Genome position (GRCh38, 1-based): chr12:132,680,220, C>T on the plus strand (G>A on the coding strand, the complement: POLE is on the minus strand). VCF-style: chr12-132680220-C-T. GRCh37 (hg19) VCF-style: chr12-133256806-C-T.
Identifiers: ClinVar variation 3697664 (VCV003697664.2).
Genomic context (GRCh38, chr12:132,680,220, plus strand): 5'-TCTATGAAACACACTCACCTTTCTGGTCGCAATGTAGAAATACGGTTTATAGGGCAAAGC[C>T]ACCTGTTAAGAGTCACCAACCCATCCAGGGGTGATGAGAAAGAAGAAAGCGAGAGAAAAG-3'
Protein context (NP_006222.2, residues 86-106): FIQDDGSRFK[Val96=]ALPYKPYFYI

ClinVar aggregate classification (germline): Uncertain significance (1 of 4 stars; one submission).

gnomAD v4.1: 1 of 1,613,972 alleles (0.000062%); highest among the groups gnomAD compares: South Asian, 0.0011%; no homozygotes.

Submission:

Labcorp Genetics (formerly Invitae), Labcorp
Classification: Uncertain significance. Last evaluated: 2024-02-15. Review status: criteria provided, single submitter. Criteria: Invitae Variant Classification Sherloc (09022015). Collection method: clinical testing. Allele origin: germline.
Comment: This sequence change affects codon 96 of the POLE mRNA. It is a 'silent' change, meaning that it does not change the encoded amino acid sequence of the POLE protein. This variant is present in population databases (rs751682804, gnomAD 0.003%). This variant has not been reported in the literature in individuals affected with POLE-related conditions. Algorithms developed to predict the effect of sequence changes on RNA splicing suggest that this variant may disrupt the consensus splice site. In summary, the available evidence is currently insufficient to determine the role of this variant in disease. Therefore, it has been classified as a Variant of Uncertain Significance.